The following is an entry in ClinVar:

NM_177438.3(DICER1):c.2188G>C (p.Asp730His)

Gene: DICER1 (dicer 1, ribonuclease III; minus strand). Cytogenetic location: 14q32.13.
Variant type: single nucleotide variant.
Coding change: c.2188G>C on transcript NM_177438.3 (MANE Select); coding-DNA position 2188, G replaced by C.
Protein change: p.Asp730His; replaces aspartic acid 730 with histidine.
Molecular consequence: missense variant. On other transcripts: non-coding transcript variant (6).
Genome position (GRCh38, 1-based): chr14:95,111,385, C>G on the plus strand (G>C on the coding strand, the complement: DICER1 is on the minus strand). VCF-style: chr14-95111385-C-G. GRCh37 (hg19) VCF-style: chr14-95577722-C-G.
Other names: NM_177438.3(DICER1):c.2188G>C; p.Asp730His; c.1906G>C, p.Asp636His (NM_001395686.1); c.1783G>C, p.Asp595His (NM_001395687.1, NM_001395688.1, NM_001395689.1 and 3 more transcripts); c.505G>C, p.Asp169His (NM_001395697.1); c.2188G>C, p.Asp730His (NM_030621.4, NM_001395692.1, NM_001395693.1 and 13 more transcripts); c.1621G>C, p.Asp541His (NM_001395691.1); short protein forms D169H, D541H, D595H, D636H, D730H.
Identifiers: ClinVar variation 2445404 (VCV002445404.6), dbSNP rs2140067843, ClinGen allele CA390882678.
Genomic context (GRCh38, chr14:95,111,385, plus strand): 5'-GGTAGCACTGCCTTCGTTTCGTGGAACCTGGTCTTCCTGGAACACTGGTCTCTTCTTCAT[C>G]ATGCAAATCAAGCTCCTCTTCATATTTAACAGTCTCTTTCCCAACTGGCATCAAATGGTC-3'
Protein context (NP_803187.1, residues 720-740): VKYEEELDLH[Asp730His]EEETSVPGRP

ClinVar aggregate classification (germline): Uncertain significance. Review status: reviewed by expert panel (3 of 4 stars). 3 submissions from 3 submitters: Uncertain significance (1). 2 of the submissions do not count toward it. Last evaluated 2026-01-06.

Conditions:
DICER1-related tumor predisposition. Also called: DICER1 syndrome; DICER1-related pleuropulmonary blastoma cancer predisposition syndrome. Identifiers: Orphanet 284343, MedGen C3839822, MONDO:0100216.
Ovarian cancer. Also called: OVARIAN CANCER, SOMATIC. Identifiers: Orphanet 213500, MedGen C1140680, MONDO:0008170, OMIM 167000.

Submissions (3):

ClinGen DICER1 and miRNA-Processing Gene Variant Curation Expert Panel, ClinGen
Classification: Uncertain significance for DICER1-related tumor predisposition. Last evaluated: 2026-01-06. Review status: reviewed by expert panel. Criteria: ClinGen DICER1 ACMG Specifications DICER1 V1.4.0. Collection method: curation. Allele origin: germline. Inheritance: Autosomal dominant inheritance.
Comment: The NM_177438.3:2188G>C variant in DICER1 is a missense variant predicted to cause substitution of aspartic acid by histidine at amino acid 730 (p.Asp730His). Although this variant has been observed in individuals undergoing genetic sequencing, to our knowledge, this variant has not been reported in individuals with DICER1-related tumor predisposition (PS4 not met; Internal lab contributors). This variant is absent from gnomAD v4.1.0 (PM2_Supporting). In silico tools predict no damaging impact of the variant on protein function (REVEL: 0.331; MaxEntScan and SpliceAI: no effect on splicing) (BP4). In summary, this variant meets the criteria to be classified as Uncertain Significance for DICER1-related tumor predisposition based on the ACMG/AMP criteria applied, as specified by the ClinGen DICER1 VCEP: PM2_Supporting, BP4. (Bayesian Points: 0; VCEP specifications version 1.4.0; 01/06/2026)

Labcorp Genetics (formerly Invitae), Labcorp
Classification: Uncertain significance for DICER1-related tumor predisposition. Last evaluated: 2023-02-16. Review status: criteria provided, single submitter. Criteria: Invitae Variant Classification Sherloc (09022015). Collection method: clinical testing. Allele origin: germline. Not counted in ClinVar's aggregate classification.
Comment: This sequence change replaces aspartic acid, which is acidic and polar, with histidine, which is basic and polar, at codon 730 of the DICER1 protein (p.Asp730His). This variant is not present in population databases (gnomAD no frequency). This variant has not been reported in the literature in individuals affected with DICER1-related conditions. Advanced modeling of protein sequence and biophysical properties (such as structural, functional, and spatial information, amino acid conservation, physicochemical variation, residue mobility, and thermodynamic stability) performed at Invitae indicates that this missense variant is not expected to disrupt DICER1 protein function. In summary, the available evidence is currently insufficient to determine the role of this variant in disease. Therefore, it has been classified as a Variant of Uncertain Significance.

Laboratory of Molecular Epidemiology of Birth Defects, West China Second University Hospital, Sichuan University
Classification: Likely pathogenic for Ovarian cancer. Last evaluated: 2022-01-01. Review status: criteria provided, single submitter. Criteria: ACMG Guidelines, 2015. Collection method: clinical testing. Allele origin: germline. Affected: yes. Not counted in ClinVar's aggregate classification.